The following is an entry in ClinVar:

NM_000545.8(HNF1A):c.1309+187T>A

Gene: HNF1A (HNF1 homeobox A; plus strand). Cytogenetic location: 12q24.31.
Variant type: single nucleotide variant.
Coding change: c.1309+187T>A on transcript NM_000545.8 (MANE Select); 187 bases into the intron after coding-DNA position 1309, T replaced by A.
Molecular consequence: intron variant.
Genome position (GRCh38, 1-based): chr12:120,996,929, T>A. VCF-style: chr12-120996929-T-A. GRCh37 (hg19) VCF-style: chr12-121434732-T-A.
Other names: c.1309+187T>A (NM_001306179.2).
Identifiers: ClinVar variation 135501 (VCV000135501.3), dbSNP rs184963118, ClinGen allele CA162956.

ClinVar aggregate classification (germline): Benign/Likely benign. Review status: criteria provided, multiple submitters, no conflicts (2 of 4 stars). 3 submissions from 3 submitters: Benign (1); Likely benign (1). 1 of the submissions does not count toward it. Last evaluated 2024-11-05.

Conditions:
Maturity-onset diabetes of the young (MODY). Also called: Maturity onset diabetes mellitus in young. Identifiers: Orphanet 552, MedGen C0342276, MONDO:0018911, HP:0004904.

Allele frequency attached by ClinVar (database versions not stated): gnomAD exomes 0.00007 and 0.00012; ExAC 0.00014; gnomAD 0.00041 and 0.00044; TOPMed 0.00054; 1000 Genomes Project 0.00060; 1000 Genomes Project 30x 0.00062.
gnomAD v4.1: 155 of 1,501,452 alleles (0.01%); highest among the groups gnomAD compares: African/African-American, 0.16%; no homozygotes.

Submissions (3):

Women's Health and Genetics/Laboratory Corporation of America, LabCorp
Classification: Benign. Last evaluated: 2024-11-05. Review status: criteria provided, single submitter. Criteria: LabCorp Variant Classification Summary - May 2015. Collection method: clinical testing. Allele origin: germline.

Clinical Genomics, Uppaluri K&H Personalized Medicine Clinic
Classification: Likely benign for Maturity-onset diabetes of the young. Review status: criteria provided, single submitter. Criteria: K & H Uppaluri Personalized Medicine Clinic Variant Classification & Assertion Criteria_Updated V.1. Collection method: research. Allele origin: unknown. Inheritance: Autosomal dominant inheritance.
Comment: Mutations in HNF1A gene can predispose to MODY3. It is associated with both micro and macrovascular complications of diabetes, especially cardiovascular complications. Associated with glucosuria. May respond well to sulfonylureas. However, more evidence is required to confer the association of this particular variant rs184963118 with MODY3.

ITMI
No classification provided. Condition: AllHighlyPenetrant. Last evaluated: 2013-09-19. Review status: no classification provided. Collection method: reference population. Allele origin: germline. Not counted in ClinVar's aggregate classification.
Comment: Please see associated publication for description of ethnicities

Literature cited by the submitters: PubMed 31517624 (cited by Clinical Genomics, Uppaluri K&H Personalized Medicine Clinic); PubMed 32395877 (cited by Clinical Genomics, Uppaluri K&H Personalized Medicine Clinic); PubMed 35328643 (cited by Clinical Genomics, Uppaluri K&H Personalized Medicine Clinic); PubMed 35673428 (cited by Clinical Genomics, Uppaluri K&H Personalized Medicine Clinic); PubMed 24728327 (cited by ITMI).